The following is an entry in ClinVar:

NM_000093.5(COL5A1):c.838T>G (p.Tyr280Asp)

Gene: COL5A1 (collagen type V alpha 1 chain; plus strand). Cytogenetic location: 9q34.3.
Variant type: single nucleotide variant.
Coding change: c.838T>G on transcript NM_000093.5 (MANE Select); coding-DNA position 838, T replaced by G.
Protein change: p.Tyr280Asp; replaces tyrosine 280 with aspartic acid.
Molecular consequence: missense variant.
Genome position (GRCh38, 1-based): chr9:134,728,721, T>G. VCF-style: chr9-134728721-T-G. GRCh37 (hg19) VCF-style: chr9-137620567-T-G.
Other names: c.838T>G, p.Tyr280Asp (NM_001278074.1); short protein forms Y280D.
Identifiers: ClinVar variation 1021606 (VCV001021606.10), dbSNP rs1834749472, ClinGen allele CA375447106.

ClinVar aggregate classification (germline): Uncertain significance (1 of 4 stars; one submission).

Conditions:
Ehlers-Danlos syndrome, classic type, 1 (EDSCL1). Also called: EHLERS-DANLOS SYNDROME, GRAVIS TYPE; EHLERS-DANLOS SYNDROME, SEVERE CLASSIC TYPE; EDS I; Ehlers-Danlos Syndrome, Classic Type, COL5A1-Related; Ehlers-Danlos syndrome, type 1. Identifiers: MedGen C0268335, MONDO:0019567, OMIM 130000.

Submission:

Labcorp Genetics (formerly Invitae), Labcorp
Classification: Uncertain significance for Ehlers-Danlos syndrome, classic type, 1. Last evaluated: 2021-02-09. Review status: criteria provided, single submitter. Criteria: Invitae Variant Classification Sherloc (09022015). Collection method: clinical testing. Allele origin: germline.
Comment: In summary, the available evidence is currently insufficient to determine the role of this variant in disease. Therefore, it has been classified as a Variant of Uncertain Significance. Advanced modeling of protein sequence and biophysical properties (such as structural, functional, and spatial information, amino acid conservation, physicochemical variation, residue mobility, and thermodynamic stability) performed at Invitae indicates that this missense variant is not expected to disrupt COL5A1 protein function. This variant has not been reported in the literature in individuals with COL5A1-related conditions. This variant is not present in population databases (ExAC no frequency). This sequence change replaces tyrosine with aspartic acid at codon 280 of the COL5A1 protein (p.Tyr280Asp). The tyrosine residue is highly conserved and there is a large physicochemical difference between tyrosine and aspartic acid.